The following is an entry in ClinVar:

NM_007254.4(PNKP):c.1424C>T (p.Ser475Leu)

Gene: PNKP (polynucleotide kinase 3'-phosphatase; minus strand). Cytogenetic location: 19q13.33.
Variant type: single nucleotide variant.
Coding change: c.1424C>T on transcript NM_007254.4 (MANE Select); coding-DNA position 1424, C replaced by T.
Protein change: p.Ser475Leu; replaces serine 475 with leucine.
Molecular consequence: missense variant.
Genome position (GRCh38, 1-based): chr19:49,861,473, G>A on the plus strand (C>T on the coding strand, the complement: PNKP is on the minus strand). VCF-style: chr19-49861473-G-A. GRCh37 (hg19) VCF-style: chr19-50364730-G-A.
Other names: short protein forms S475L.
Identifiers: ClinVar variation 650019 (VCV000650019.11), dbSNP rs1600414629, ClinGen allele CA406932781.
Genomic context (GRCh38, chr19:49,861,473, plus strand): 5'-GCCAGTGCCCCTGCCCCCTGCTATCCCCAACAGTACCTGTAGCCATACATGACCATGTCT[G>A]ACACGGGGATATGAGAGGAGTCCGTCATCTCTCGAAACTGTGGGGAACATCAGAGGGGCG-3'
Protein context (NP_009185.2, residues 465-485): EMTDSSHIPV[Ser475Leu]DMVMYGYRKQ

ClinVar aggregate classification (germline): Uncertain significance (1 of 4 stars; one submission).

Conditions:
Developmental and epileptic encephalopathy, 12 (DEE12). Identifiers: MedGen C3150988, MONDO:0013389, OMIM 613722.

Submission:

Labcorp Genetics (formerly Invitae), Labcorp
Classification: Uncertain significance for Developmental and epileptic encephalopathy, 12. Last evaluated: 2019-02-28. Review status: criteria provided, single submitter. Criteria: Invitae Variant Classification Sherloc (09022015). Collection method: clinical testing. Allele origin: germline.
Comment: In summary, the available evidence is currently insufficient to determine the role of this variant in disease. Therefore, it has been classified as a Variant of Uncertain Significance. Algorithms developed to predict the effect of missense changes on protein structure and function are either unavailable or do not agree on the potential impact of this missense change (SIFT: "Deleterious"; PolyPhen-2: "Benign"; Align-GVGD: "Class C0"). This variant has not been reported in the literature in individuals with PNKP-related disease. This variant is not present in population databases (ExAC no frequency). This sequence change replaces serine with leucine at codon 475 of the PNKP protein (p.Ser475Leu). The serine residue is moderately conserved and there is a large physicochemical difference between serine and leucine.